The following is an entry in ClinVar:

NM_001563.4(IMPG1):c.1384C>T (p.Gln462Ter)

Gene: IMPG1 (interphotoreceptor matrix proteoglycan 1; minus strand). Cytogenetic location: 6q14.1.
Variant type: single nucleotide variant.
Coding change: c.1384C>T on transcript NM_001563.4 (MANE Select); coding-DNA position 1384, C replaced by T.
Protein change: p.Gln462Ter; replaces glutamine 462 with a stop codon.
Molecular consequence: nonsense.
Genome position (GRCh38, 1-based): chr6:75,951,002, G>A on the plus strand (C>T on the coding strand, the complement: IMPG1 is on the minus strand). VCF-style: chr6-75951002-G-A. GRCh37 (hg19) VCF-style: chr6-76660719-G-A.
Other names: c.1150C>T, p.Gln384Ter (NM_001282368.2); short protein forms Q384*, Q462*.
Identifiers: ClinVar variation 1369558 (VCV001369558.6), dbSNP rs565336088, ClinGen allele CA3898128.

ClinVar aggregate classification (germline): Pathogenic (1 of 4 stars; one submission).

Allele frequency attached by ClinVar (database versions not stated): gnomAD exomes below 0.00001; ExAC 0.00001; gnomAD 0.00001; TOPMed 0.00001; 1000 Genomes Project 30x 0.00016; 1000 Genomes Project 0.00020.
gnomAD v4.1: 3 of 1,613,872 alleles (0.00019%); highest among the groups gnomAD compares: African/African-American, 0.0027%; no homozygotes.

Submission:

Labcorp Genetics (formerly Invitae), Labcorp
Classification: Pathogenic. Last evaluated: 2023-07-21. Review status: criteria provided, single submitter. Criteria: Invitae Variant Classification Sherloc (09022015). Collection method: clinical testing. Allele origin: germline.
Comment: This sequence change creates a premature translational stop signal (p.Gln462*) in the IMPG1 gene. It is expected to result in an absent or disrupted protein product. Loss-of-function variants in IMPG1 are known to be pathogenic (PMID: 23993198). This variant is present in population databases (rs565336088, gnomAD 0.008%). This variant has not been reported in the literature in individuals affected with IMPG1-related conditions. ClinVar contains an entry for this variant (Variation ID: 1369558). For these reasons, this variant has been classified as Pathogenic.

Literature cited by the submitters: PubMed 23993198.